The following is an entry in ClinVar:

ClinVar aggregate classification (germline): Likely pathogenic (1 of 4 stars; one submission).

Conditions:
Polycystic kidney disease, adult type (PKD1). Also called: POLYCYSTIC KIDNEY DISEASE, ADULT, TYPE I; Polycystic Kidney Disease 1, Autosomal Dominant; Polycystic kidney disease 1; Polycystic kidney disease 1, severe; Polycystic Kidney, Autosomal Dominant; POLYCYSTIC KIDNEY DISEASE 1 WITH OR WITHOUT POLYCYSTIC LIVER DISEASE. Identifiers: MedGen C3149841, MONDO:0008263, OMIM 173900.

Submission:

Victorian Clinical Genetics Services, Murdoch Childrens Research Institute
Classification: Likely pathogenic for Polycystic kidney disease, adult type. Last evaluated: 2024-10-09. Review status: criteria provided, single submitter. Criteria: ACMG Guidelines, 2015. Collection method: clinical testing. Allele origin: germline. Inheritance: Autosomal dominant inheritance. Affected: yes.
Comment: Based on the classification scheme VCGS_Germline_v1.3.4, this variant is classified as Likely pathogenic. Following criteria are met: 0102 - Loss of function is a known mechanism of disease in this gene and is associated with polycystic kidney disease 1 (MIM#173900). (I) 0107 - This gene is associated with autosomal dominant disease. Polycystic kidney disease 1 (MIM#173900) is predominantly caused by monoallelic variants, with rare reports of biallelic variants causing disease (OMIM). (I) 0200 - Variant is predicted to result in a missense amino acid change from cysteine to tyrosine. (I) 0251 - This variant is heterozygous. (I) 0301 - Variant is absent from gnomAD (both v2 and v3). (SP) 0309 - Multiple alternative amino acid changes at the same position have been observed in gnomAD (v3) (Highest allele: 3 heterozygotes, 0 homozygotes). (I) 0501 - Missense variant consistently predicted to be damaging by multiple in silico tools or highly conserved with a major amino acid change. (SP) 0604 - Variant is not located in an established domain, motif, hotspot or informative constraint region. (I) 0704 - Another missense variant comparable to the one identified in this case has limited previous evidence for pathogenicity. p.(Cys3112Phe) was reported in an individual with ADPKD (PMID: 22185115) and classified as likely pathogenic in ClinVar. Additionally, p.(Cys3112Arg) has been reported as a VUS in ClinVar. (SP) 0803 - This variant has limited previous evidence of pathogenicity in unrelated individuals. This variant has been reported in an individual with ADPKD (PMID: 34739738) and reported as likely pathogenic in the ADPKD variant database. (SP) 0905 - No published segregation evidence has been identified for this variant. (I) 1007 - No published functional evidence has been identified for this variant. (I) 1208 - Inheritance information for this variant is not currently available in this individual. (I) Legend: (SP) - Supporting pathogenic, (I) - Information, (SB) - Supporting benign

Literature cited by the submitters: PubMed 22185115; PubMed 34739738.

NM_001009944.3(PKD1):c.9335G>A (p.Cys3112Tyr)

Gene: PKD1 (polycystin 1, transient receptor potential channel interacting; minus strand). Cytogenetic location: 16p13.3.
Variant type: single nucleotide variant.
Coding change: c.9335G>A on transcript NM_001009944.3 (MANE Select); coding-DNA position 9335, G replaced by A.
Protein change: p.Cys3112Tyr; replaces cysteine 3112 with tyrosine.
Molecular consequence: missense variant.
Genome position (GRCh38, 1-based): chr16:2,102,123, C>T on the plus strand (G>A on the coding strand, the complement: PKD1 is on the minus strand). VCF-style: chr16-2102123-C-T. GRCh37 (hg19) VCF-style: chr16-2152124-C-T.
Other names: c.9335G>A, p.Cys3112Tyr (NM_000296.4); short protein forms C3112Y.
Identifiers: ClinVar variation 3376932 (VCV003376932.1).
Genomic context (GRCh38, chr16:2,102,123, plus strand): 5'-GAGCCCCGGCCCCAGCCTGTCTTGACGAGGATCTCGTACTTGAAGCGGCCCCGCTGCCCA[C>T]AGAAAGGGATGGCGCGGCCCCGGCTGGCATCCAACTGGTCCAGCTTGTGCAGGATGGCGG-3'
Protein context (NP_001009944.3, residues 3102-3122): DASRGRAIPF[Cys3112Tyr]GQRGRFKYEI